The following is an entry in ClinVar:

NM_020343.4(RALGAPA2):c.1288T>C (p.Tyr430His)

Gene: RALGAPA2 (Ral GTPase activating protein catalytic subunit alpha 2; minus strand). Cytogenetic location: 20p11.23.
Variant type: single nucleotide variant.
Coding change: c.1288T>C on transcript NM_020343.4 (MANE Select); coding-DNA position 1288, T replaced by C.
Protein change: p.Tyr430His; replaces tyrosine 430 with histidine.
Molecular consequence: missense variant.
Genome position (GRCh38, 1-based): chr20:20,620,576, A>G on the plus strand (T>C on the coding strand, the complement: RALGAPA2 is on the minus strand). VCF-style: chr20-20620576-A-G. GRCh37 (hg19) VCF-style: chr20-20601220-A-G.
Other names: short protein forms Y430H.
Identifiers: ClinVar variation 2429053 (VCV002429053.4), dbSNP rs2518549094, ClinGen allele CA408484430.
Genomic context (GRCh38, chr20:20,620,576, plus strand): 5'-CATCTTTTCTATCTGGCTCCTCCATGAACACAGGTTTGTCCTGGAGAATCCACTTTCTGT[A>G]CACTTGAACTACTTTTCTTGTTACAGCTATCTCACAGGAAGGCAACAAAAATGCCTGAAA-3'
Protein context (NP_065076.2, residues 420-440): IAVTRKVVQV[Tyr430His]RKWILQDKPV

ClinVar aggregate classification (germline): Uncertain significance (1 of 4 stars; one submission).

Submission:

Greenwood Genetic Center Diagnostic Laboratories, Greenwood Genetic Center
Classification: Uncertain significance. Last evaluated: 2022-12-30. Review status: criteria provided, single submitter. Criteria: ACMG Guidelines, 2015. Collection method: clinical testing. Allele origin: germline. Affected: yes.
Comment: Gene of Uncertain Significance